The following is an entry in ClinVar:

ClinVar aggregate classification (germline): Pathogenic. Review status: criteria provided, single submitter (1 of 4 stars). 2 submissions from 2 submitters: Pathogenic (1). 1 of the submissions does not count toward it. Last evaluated 2023-04-21.

Conditions:
Osteogenesis imperfecta type I (OI1). Also called: Lobstein's Disease; Lobstein disease; Osteogenesis imperfecta type 1; OI, TYPE I; OSTEOGENESIS IMPERFECTA TARDA; OSTEOGENESIS IMPERFECTA WITH BLUE SCLERAE. Identifiers: Orphanet 216796, Orphanet 666, MedGen C0023931, MONDO:0008146, OMIM 166200. Disease mechanism: loss of function.

Submissions (2):

GeneDx
Classification: Pathogenic. Last evaluated: 2023-04-21. Review status: criteria provided, single submitter. Criteria: GeneDx Variant Classification Process June 2021. Collection method: clinical testing. Allele origin: germline. Affected: yes.
Comment: Damages or destroys the splice acceptor site in intron 38, and is expected to cause abnormal gene splicing; if the splice outcome is exon skip, the loss of the encoded residues in the triple helical region is expected to disrupt normal protein folding and function, and this is an established mechanism of disease (HGMD); Not observed at significant frequency in large population cohorts (gnomAD); This variant is associated with the following publications: (PMID: 25963598, 25944380)

Department of Medical Sciences, Uppsala University
Classification: Pathogenic for OI type I. Review status: no assertion criteria provided. Collection method: clinical testing. Allele origin: unknown. Affected: yes. Observed: 1 variant allele. Not counted in ClinVar's aggregate classification.

Literature cited by the submitters: PubMed 25944380 (cited by Department of Medical Sciences, Uppsala University).

NM_000088.4(COL1A1):c.2668-1G>A

Gene: COL1A1 (collagen type I alpha 1 chain; minus strand). Cytogenetic location: 17q21.33.
Variant type: single nucleotide variant.
Coding change: c.2668-1G>A on transcript NM_000088.4 (MANE Select); the canonical splice acceptor site of the intron before coding-DNA position 2668, G replaced by A.
Molecular consequence: splice acceptor variant.
Genome position (GRCh38, 1-based): chr17:50,189,539, C>T on the plus strand (G>A on the coding strand, the complement: COL1A1 is on the minus strand). VCF-style: chr17-50189539-C-T. GRCh37 (hg19) VCF-style: chr17-48266900-C-T.
Other names: c.2668-1G>A (LRG_1t1).
Identifiers: ClinVar variation 425614 (VCV000425614.2), dbSNP rs1114167394, ClinGen allele CA400206119.